The following is an entry in ClinVar:

ClinVar aggregate classification (germline): Pathogenic (1 of 4 stars; one submission).

Conditions:
Autosomal recessive nonsyndromic hearing loss 30. Identifiers: Orphanet 90636, MedGen C1846784, MONDO:0011774, OMIM 607101.

Submission:

Institute of Rare Diseases, West China Hospital, Sichuan University
Classification: Pathogenic for Autosomal recessive nonsyndromic hearing loss 30. Last evaluated: 2025-01-09. Review status: criteria provided, single submitter. Criteria: ClinGen HL ACMG Specifications v1. Collection method: research. Allele origin: germline. Affected: yes.
Comment: PVS1;PM3_Supporting;PM2_Supporting

NM_017433.5(MYO3A):c.268A>T (p.Lys90Ter)

Gene: MYO3A (myosin IIIA; plus strand). Cytogenetic location: 10p12.1.
Variant type: single nucleotide variant.
Coding change: c.268A>T on transcript NM_017433.5 (MANE Select); coding-DNA position 268, A replaced by T.
Protein change: p.Lys90Ter; replaces lysine 90 with a stop codon.
Molecular consequence: nonsense.
Genome position (GRCh38, 1-based): chr10:25,954,973, A>T. VCF-style: chr10-25954973-A-T. GRCh37 (hg19) VCF-style: chr10-26243902-A-T.
Other names: c.268A>T, p.Lys90Ter (NM_001368265.1); short protein forms K90*.
Identifiers: ClinVar variation 3601435 (VCV003601435.1).